The following is an entry in ClinVar:

ClinVar aggregate classification (germline): Pathogenic/Likely pathogenic. Review status: criteria provided, multiple submitters, no conflicts (2 of 4 stars). 24 submissions from 24 submitters: Pathogenic (17); Likely pathogenic (2). 5 of the submissions do not count toward it. Last evaluated 2026-08-17.

Conditions:
Inborn genetic diseases. Identifiers: MedGen C0950123, MeSH D030342.
ADNP-related disorder. Also called: ADNP-related condition.
ADNP-related multiple congenital anomalies - intellectual disability - autism spectrum disorder. Also called: Helsmoortel-Van der Aa Syndrome; ADNP-Related Helsmoortel-Van der Aa Syndrome. Identifiers: Orphanet 404448, MedGen C4014538, MONDO:0014379, OMIM 615873. Disease mechanism: loss of function.
Abnormality of the dentition. Also called: Dental anomalies. Identifiers: MedGen C0262444, HP:0000164.
Stereotypic movement disorder. Also called: Stereotypies; stereotyped movement disorder. Identifiers: MedGen C0038273, MONDO:0002265.
Corpus callosum, agenesis of. Also called: Agenesis of the corpus callosum; Isolated corpus callosum agenesis; Corpus callosum agenesis; Mental retardation hypoplastic corpus callosum preauricular tag; Da silva syndrome. Identifiers: Orphanet 200, MedGen C0175754, MONDO:0009022, OMIM 217990, HP:0001274.
Decreased response to growth hormone stimulation test. Also called: Growth hormone deficiency. Identifiers: MedGen C5539399, HP:0000824.
Seizure. Also called: Seizures. Identifiers: MedGen C0036572, HP:0001250.
Aggressive behavior. Also called: Abnormal aggressive, impulsive or violent behavior. Identifiers: MedGen C0001807, HP:0000718.
Hypothyroidism. Identifiers: MedGen C0020676, MONDO:0005420, HP:0000821.
Global developmental delay (DD). Also called: Cognitive delay. Identifiers: MedGen C0557874, HP:0001263. Disease mechanism: loss of function.

Submissions 1 to 9 of 24:

Ambry Genetics
Classification: Pathogenic for Inborn genetic diseases. Last evaluated: 2026-08-17. Review status: criteria provided, single submitter. Criteria: Ambry Variant Classification Scheme 2023. Collection method: clinical testing. Allele origin: germline.
Comment: The c.2188C>T (p.R730*) alteration, located in exon 5 (coding exon 3) of the ADNP gene, consists of a C to T substitution at nucleotide position 2188. This changes the amino acid from an arginine (R) to a stop codon at amino acid position 730. This variant is not expected to trigger nonsense-mediated mRNA decay, and impacts the last 33.8% of the protein. However, premature stop codons are typically deleterious in nature, the impacted region is critical for protein function (Ambry internal data) and a significant portion of the protein is affected (Ambry internal data). This variant was not reported in population-based cohorts in the Genome Aggregation Database (gnomAD). This variant was reported in individual(s) with features consistent with ADNP-related neurodevelopmental disorder (Krajewska-Walasek, 2016; Van Dijck, 2019); in at least one individual, it was determined to be de novo (Ambry internal data; Pascolini, 2018). The p.R730* alteration introduces a premature termination codon at the 3' terminus of the ADNP protein and disrupts the last 373 amino acids. The truncated region contains a DNA-binding homeobox domain and a P*V*L motif, which binds the HP1 protein. The homeobox domain and HP1-binding motif provide the transcription factor activity to ADNP and loss of this region is predicted to lead to diminished regulation of gene expression (Helsmoortel, 2014). Based on the available evidence, this alteration is classified as pathogenic.

3billion
Classification: Pathogenic for ADNP-related multiple congenital anomalies - intellectual disability - autism spectrum disorder. Last evaluated: 2025-02-11. Review status: criteria provided, single submitter. Criteria: ACMG Guidelines, 2015. Collection method: clinical testing. Allele origin: germline. Affected: yes.
Comment: The variant is not observed in the gnomAD v4.1.0 dataset. Predicted Consequence/Location: Stop-gained (nonsense): predicted to result in a loss or disruption of normal protein function through protein truncation. The predicted truncated protein may be shortened by more than 10%. The variant has been reported at least twice as pathogenic with clinical assertions and evidence for the classification (ClinVar ID: VCV000279598 /PMID: 27031564 /3billion dataset). Therefore, this variant is classified as Pathogenic according to the recommendation of ACMG/AMP guideline.

Blueprint Genetics
Classification: Pathogenic for ADNP-related disorders. Last evaluated: 2024-07-29. Review status: criteria provided, single submitter. Criteria: ACMG Guidelines, 2015. Collection method: clinical testing. Allele origin: germline. Affected: yes. Observed: 1 variant allele.

Labcorp Genetics (formerly Invitae), Labcorp
Classification: Pathogenic. Last evaluated: 2024-07-08. Review status: criteria provided, single submitter. Criteria: Invitae Variant Classification Sherloc (09022015). Collection method: clinical testing. Allele origin: germline.
Comment: This sequence change creates a premature translational stop signal (p.Arg730*) in the ADNP gene. While this is not anticipated to result in nonsense mediated decay, it is expected to disrupt the last 373 amino acid(s) of the ADNP protein. This variant is not present in population databases (gnomAD no frequency). This premature translational stop signal has been observed in individual(s) with Helsmoortel-van der Aa syndrome (PMID: 29911927). ClinVar contains an entry for this variant (Variation ID: 279598). Algorithms developed to predict the effect of variants on gene product structure and function are not available or were not evaluated for this variant. Experimental studies have shown that this premature translational stop signal affects ADNP function (PMID: 29911927). This variant disrupts a region of the ADNP protein in which other variant(s) (p.Met1088Serfs*5) have been determined to be pathogenic (PMID: 28135719). This suggests that this is a clinically significant region of the protein, and that variants that disrupt it are likely to be disease-causing. For these reasons, this variant has been classified as Pathogenic.

Pittsburgh Clinical Genomics Laboratory, University of Pittsburgh Medical Center
Classification: Pathogenic for ADNP-related multiple congenital anomalies - intellectual disability - autism spectrum disorder. Last evaluated: 2024-05-03. Review status: criteria provided, single submitter. Criteria: ACMG Guidelines, 2015. Collection method: clinical testing. Allele origin: germline. Inheritance: Autosomal dominant inheritance. Affected: yes.
Comment: This sequence variant is a single nucleotide substitution (C>T) at position 2188 of the coding sequence of the ADNP gene which changes the Arg730 codon to an early termination codon. Although this variant occurs in the last of 5 exons in this gene, it is predicted to generate a non-functional allele through the expression of a truncated protein (PMID: 29724491). This is a previously reported variant (ClinVar 279598) that has been observed de novo in individuals affected by autism spectrum disorder, intellectual disability, developmental disability, and Helsmoortel–Van der Aa syndrome (PMID: 38254177, 29724491, 38204290, 29475819, 35322241, 27031564, 35813072, 35920977, 38282129, 31029150, 35982159, 28675391, 28407407). This variant is absent from the gnomAD v4.0.0 population database (0/~1,461,000 alleles). Haploinsufficiency in ADNP is a known mechanism of disease. Based upon the evidence, we consider this variant to be pathogenic. ACMG Criteria: PM2, PS2, PVS1

Institute of Human Genetics, University of Leipzig Medical Center
Classification: Pathogenic for ADNP-related multiple congenital anomalies - intellectual disability - autism spectrum disorder. Last evaluated: 2022-10-25. Review status: criteria provided, single submitter. Criteria: ACMG Guidelines, 2015. Collection method: clinical testing. Allele origin: de novo. Affected: yes.
Comment: _x000D_This variant was identified as de novo (maternity and paternity confirmed). Criteria applied: PVS1, PS2_VSTR, PS4, PM2_SUP

Illumina Laboratory Services, Illumina
Classification: Pathogenic. Last evaluated: 2022-09-14. Review status: criteria provided, single submitter. Criteria: ICSL CNVClassificationCriteria Aug2020. Collection method: clinical testing. Allele origin: unknown. Affected: yes.
Comment: The ADNP c.2188C>T (p.Arg730Ter) nonsense variant results in the substitution of arginine at amino acid position 730 with a stop codon. This variant occurs in the last exon of the gene and may escape nonsense-mediated mRNA decay. Across a selection of the available literature, the c.2188C>T variant, which is described as one of the most common pathogenic ADNP variants, has been reported in a heterozygous state in at least seven patients with ADNP-related neurodevelopmental disorder (PMID: 27031564; PMID: 28221363; PMID: 29475819; PMID: 29724491). This variant is not found in version 2.1.1 or version 3.1.2 of the Genome Aggregation Database. In-vitro cell culture studies showed that although the variant protein is able to translocate inside the nucleus and co-localize with its binding partner, it does so less efficiently in the pericentromeric heterochromatin region when compared to wild-type protein (PMID: 29911927). Based on the available evidence, the c.2188C>T (p.Arg730Ter) variant is classified as pathogenic for ADNP-related neurodevelopmental disorder.

GeneDx
Classification: Pathogenic. Last evaluated: 2022-08-11. Review status: criteria provided, single submitter. Criteria: GeneDx Variant Classification Process June 2021. Collection method: clinical testing. Allele origin: germline. Affected: yes.
Comment: Nonsense variant in the C-terminus predicted to result in protein truncation, as the last 373 amino acids are lost, and other loss-of-function variants have been reported downstream in the Human Gene Mutation Database (HGMD); Not observed at significant frequency in large population cohorts (gnomAD); This variant is associated with the following publications: (PMID: 29475819, 27031564, 29911927, 31029150, 29286531, 29724491, 31664177, 24531329, 28221363, 32661233, 33329371, 32758449, 31785789, 34930662, 33004838)

Clinical Genetics Laboratory, Skane University Hospital Lund
Classification: Pathogenic. Last evaluated: 2022-05-27. Review status: criteria provided, single submitter. Criteria: ACMG Guidelines, 2015. Collection method: clinical testing. Allele origin: germline. Affected: yes.

NM_001282531.3(ADNP):c.2188C>T (p.Arg730Ter)

Gene: ADNP (activity dependent neuroprotector homeobox; minus strand). Cytogenetic location: 20q13.13.
Variant type: single nucleotide variant.
Coding change: c.2188C>T on transcript NM_001282531.3 (MANE Select); coding-DNA position 2188, C replaced by T.
Protein change: p.Arg730Ter; replaces arginine 730 with a stop codon.
Molecular consequence: nonsense.
Genome position (GRCh38, 1-based): chr20:50,892,526, G>A on the plus strand (C>T on the coding strand, the complement: ADNP is on the minus strand). VCF-style: chr20-50892526-G-A. GRCh37 (hg19) VCF-style: chr20-49509063-G-A.
Other names: c.2188C>T, p.Arg730Ter (NM_015339.5, NM_001282532.2, NM_001347511.2 and 1 more transcripts); short protein forms R730*.
Identifiers: ClinVar variation 279598 (VCV000279598.68), dbSNP rs886041116, ClinGen allele CA10602716.